The following is an entry in ClinVar:

ClinVar aggregate classification (germline): Benign/Likely benign. Review status: criteria provided, multiple submitters, no conflicts (2 of 4 stars). 7 submissions from 7 submitters: Benign (4); Likely benign (1). 2 of the submissions do not count toward it. Last evaluated 2026-02-04.

Conditions:
Acyl-CoA dehydrogenase 9 deficiency. Also called: MITOCHONDRIAL COMPLEX I DEFICIENCY, NUCLEAR TYPE 20; Acyl-CoA dehydrogenase family, member 9, deficiency of. Identifiers: Orphanet 99901, MedGen C4747517, MONDO:0012624, OMIM 611126.

Allele frequency attached by ClinVar (database versions not stated): 1000 Genomes Project 0.00479; 1000 Genomes Project 30x 0.00515; TOPMed 0.01107; ESP Exome Variant Server 0.01146; ExAC 0.01285; gnomAD exomes 0.01285 and 0.01615; gnomAD 0.01364.
gnomAD v4.1: 25,577 of 1,614,136 alleles (1.6%); highest among the groups gnomAD compares: Non-Finnish European, 1.8%; 288 homozygotes.

Submissions (7):

Labcorp Genetics (formerly Invitae), Labcorp
Classification: Benign. Last evaluated: 2026-02-04. Review status: criteria provided, single submitter. Criteria: Invitae Variant Classification Sherloc (09022015). Collection method: clinical testing. Allele origin: germline.

Blueprint Genetics
Classification: Likely benign. Last evaluated: 2024-11-26. Review status: criteria provided, single submitter. Criteria: ACMG Guidelines, 2015. Collection method: clinical testing. Allele origin: germline.

Illumina Laboratory Services, Illumina
Classification: Benign for Acyl-CoA dehydrogenase 9 deficiency. Last evaluated: 2018-01-13. Review status: criteria provided, single submitter. Criteria: ICSL Variant Classification Criteria 13 December 2019. Collection method: clinical testing. Allele origin: germline.
Comment: This variant was observed in the ICSL laboratory as part of a predisposition screen in an ostensibly healthy population. It had not been previously curated by ICSL or reported in the Human Gene Mutation Database (HGMD: prior to June 1st, 2018), and was therefore a candidate for classification through an automated scoring system. Utilizing variant allele frequency, disease prevalence and penetrance estimates, and inheritance mode, an automated score was calculated to assess if this variant is too frequent to cause the disease. Based on the score and internal cut-off values, a variant classified as benign is not then subjected to further curation. The score for this variant resulted in a classification of benign for this disease.

GeneDx
Classification: Benign. Last evaluated: 2013-10-29. Review status: criteria provided, single submitter. Criteria: GeneDx Variant Classification (06012015). Collection method: clinical testing. Allele origin: germline. Affected: yes.
Comment: This variant is considered likely benign or benign based on one or more of the following criteria: it is a conservative change, it occurs at a poorly conserved position in the protein, it is predicted to be benign by multiple in silico algorithms, and/or has population frequency not consistent with disease.

Breakthrough Genomics
Classification: Benign. Review status: criteria provided, single submitter. Criteria: ACMG Guidelines, 2015. Collection method: not provided. Allele origin: germline. Inheritance: Autosomal recessive inheritance. Affected: yes.

Natera, Inc.
Classification: Benign for ACAD9 deficiency. Last evaluated: 2020-09-16. Review status: no assertion criteria provided. Collection method: clinical testing. Allele origin: germline. Not counted in ClinVar's aggregate classification.

Mayo Clinic Laboratories, Mayo Clinic
Classification: Likely benign. Last evaluated: 2016-02-24. Review status: no assertion criteria provided. Collection method: clinical testing. Allele origin: unknown. Not counted in ClinVar's aggregate classification.

NM_014049.5(ACAD9):c.1430G>A (p.Arg477Gln)

Gene: ACAD9 (acyl-CoA dehydrogenase family member 9; plus strand). Cytogenetic location: 3q21.3.
Variant type: single nucleotide variant.
Coding change: c.1430G>A on transcript NM_014049.5 (MANE Select); coding-DNA position 1430, G replaced by A.
Protein change: p.Arg477Gln; replaces arginine 477 with glutamine.
Molecular consequence: missense variant. On other transcripts: non-coding transcript variant (1).
Genome position (GRCh38, 1-based): chr3:128,909,044, G>A. VCF-style: chr3-128909044-G-A. GRCh37 (hg19) VCF-style: chr3-128627887-G-A.
Other names: p.R477Q:CGA>CAA; short protein forms R477Q.
Identifiers: ClinVar variation 136255 (VCV000136255.20), dbSNP rs4494951, ClinGen allele CA289245.